The following is an entry in ClinVar:

NM_004453.4(ETFDH):c.1309G>A (p.Asp437Asn)

Gene: ETFDH (electron transfer flavoprotein dehydrogenase; plus strand). Cytogenetic location: 4q32.1.
Variant type: single nucleotide variant.
Coding change: c.1309G>A on transcript NM_004453.4 (MANE Select); coding-DNA position 1309, G replaced by A.
Protein change: p.Asp437Asn; replaces aspartic acid 437 with asparagine.
Molecular consequence: missense variant.
Genome position (GRCh38, 1-based): chr4:158,706,212, G>A. VCF-style: chr4-158706212-G-A. GRCh37 (hg19) VCF-style: chr4-159627364-G-A.
Other names: c.1168G>A, p.Asp390Asn (NM_001281737.2); c.1126G>A, p.Asp376Asn (NM_001281738.1); c.1309G>A (NM_004453.2); short protein forms D390N, D437N, D376N.
Identifiers: ClinVar variation 2037364 (VCV002037364.2), dbSNP rs369282135, ClinGen allele CA3122599.

ClinVar aggregate classification (germline): Uncertain significance. Review status: criteria provided, multiple submitters, no conflicts (2 of 4 stars). 2 submissions from 2 submitters: Uncertain significance (2). Last evaluated 2024-11-26.

Conditions:
Multiple acyl-CoA dehydrogenase deficiency (MADD). Also called: Glutaric acidemia type II; GA 2; Glutaric aciduria, type 2; Glutaric Acidemia type 2; ETHYLMALONIC-ADIPICACIDURIA; GA II. Identifiers: Orphanet 26791, MedGen C0268596, MONDO:0009282, OMIM 231680.
Inborn genetic diseases. Identifiers: MedGen C0950123, MeSH D030342.

Allele frequency attached by ClinVar (database versions not stated): ExAC 0.00002; TOPMed 0.00002; gnomAD 0.00003; ESP Exome Variant Server 0.00008; gnomAD exomes 0.00001.

Submissions (2):

Ambry Genetics
Classification: Uncertain significance for Inborn genetic diseases. Last evaluated: 2024-11-26. Review status: criteria provided, single submitter. Criteria: Ambry Variant Classification Scheme 2023. Collection method: clinical testing. Allele origin: germline.

Labcorp Genetics (formerly Invitae), Labcorp
Classification: Uncertain significance for Multiple acyl-CoA dehydrogenase deficiency. Last evaluated: 2022-04-01. Review status: criteria provided, single submitter. Criteria: Invitae Variant Classification Sherloc (09022015). Collection method: clinical testing. Allele origin: germline.
Comment: This sequence change replaces aspartic acid, which is acidic and polar, with asparagine, which is neutral and polar, at codon 437 of the ETFDH protein (p.Asp437Asn). This variant is present in population databases (rs369282135, gnomAD 0.0009%). This variant has not been reported in the literature in individuals affected with ETFDH-related conditions. Advanced modeling of protein sequence and biophysical properties (such as structural, functional, and spatial information, amino acid conservation, physicochemical variation, residue mobility, and thermodynamic stability) performed at Invitae indicates that this missense variant is not expected to disrupt ETFDH protein function. In summary, the available evidence is currently insufficient to determine the role of this variant in disease. Therefore, it has been classified as a Variant of Uncertain Significance.